The following is an entry in ClinVar:

NM_006734.4(HIVEP2):c.6601C>T (p.Leu2201Phe)

Gene: HIVEP2 (HIVEP zinc finger 2; minus strand). Cytogenetic location: 6q24.2.
Variant type: single nucleotide variant.
Coding change: c.6601C>T on transcript NM_006734.4 (MANE Select); coding-DNA position 6601, C replaced by T.
Protein change: p.Leu2201Phe; replaces leucine 2201 with phenylalanine.
Molecular consequence: missense variant.
Genome position (GRCh38, 1-based): chr6:142,753,847, G>A on the plus strand (C>T on the coding strand, the complement: HIVEP2 is on the minus strand). VCF-style: chr6-142753847-G-A. GRCh37 (hg19) VCF-style: chr6-143074984-G-A.
Other names: c.6601C>T (NM_006734.3); short protein forms L2201F.
Identifiers: ClinVar variation 2092254 (VCV002092254.6), dbSNP rs1435738912, ClinGen allele CA365942134.

ClinVar aggregate classification (germline): Conflicting classifications of pathogenicity. Review status: criteria provided, conflicting classifications (1 of 4 stars). 3 submissions from 3 submitters: Uncertain significance (2); Likely benign (1). Last evaluated 2024-08-21.

Conditions:
HIVEP2-related disorder. Also called: HIVEP2-related condition.

Allele frequency attached by ClinVar (database versions not stated): TOPMed below 0.00001; gnomAD 0.00001.
gnomAD v4.1: 1 of 1,613,690 alleles (0.000062%); highest among the groups gnomAD compares: African/African-American, 0.0013%; no homozygotes.

Submissions (3):

Greenwood Genetic Center Diagnostic Laboratories, Greenwood Genetic Center
Classification: Uncertain significance. Last evaluated: 2024-08-21. Review status: criteria provided, single submitter. Criteria: ACMG Guidelines, 2015. Collection method: clinical testing. Allele origin: germline. Affected: yes.
Comment: PM2, BP4, PP2

PreventionGenetics, part of Exact Sciences
Classification: Uncertain significance for HIVEP2-related condition. Last evaluated: 2022-09-23. Review status: criteria provided, single submitter. Criteria: ACMG Guidelines, 2015. Collection method: clinical testing. Allele origin: germline.
Comment: The HIVEP2 c.6601C>T variant is predicted to result in the amino acid substitution p.Leu2201Phe. To our knowledge, this variant has not been reported in the literature. This variant is reported in 0.011% of alleles in individuals of African descent in gnomAD. At this time, the clinical significance of this variant is uncertain due to the absence of conclusive functional and genetic evidence.

Labcorp Genetics (formerly Invitae), Labcorp
Classification: Likely benign. Last evaluated: 2022-02-03. Review status: criteria provided, single submitter. Criteria: Invitae Variant Classification Sherloc (09022015). Collection method: clinical testing. Allele origin: germline.